The following is an entry in ClinVar:

NM_001040142.2(SCN2A):c.5064A>T (p.Glu1688Asp)

Gene: SCN2A (sodium voltage-gated channel alpha subunit 2; plus strand). Cytogenetic location: 2q24.3.
Variant type: single nucleotide variant.
Coding change: c.5064A>T on transcript NM_001040142.2 (MANE Select); coding-DNA position 5064, A replaced by T.
Protein change: p.Glu1688Asp; replaces glutamic acid 1688 with aspartic acid.
Molecular consequence: missense variant.
Genome position (GRCh38, 1-based): chr2:165,388,870, A>T. VCF-style: chr2-165388870-A-T. GRCh37 (hg19) VCF-style: chr2-166245380-A-T.
Other names: c.5064A>T, p.Glu1688Asp (NM_001040143.2, NM_001371246.1, NM_001371247.1 and 1 more transcripts); short protein forms E1688D.
Identifiers: ClinVar variation 418477 (VCV000418477.2), dbSNP rs1064793261, ClinGen allele CA16617273.

ClinVar aggregate classification (germline): Uncertain significance (1 of 4 stars; one submission).

Submission:

GeneDx
Classification: Uncertain significance. Last evaluated: 2016-04-14. Review status: criteria provided, single submitter. Criteria: GeneDx Variant Classification (06012015). Collection method: clinical testing. Allele origin: germline. Affected: yes.
Comment: A variant of uncertain significance has been identified in the SCN2A gene. The E1688D variant has not been published as a pathogenic variant, nor has it been reported as a benign variant to our knowledge. It was not observed in approximately 6,500 individuals of European and African American ancestry in the NHLBI Exome Sequencing Project, indicating it is not a common benign variant in these populations. This substitution alters a conserved position predicted to be in the extracellular loop between the S5 and S6 transmembrane segments of the fourth homologous domain. However, the E1688D variant is a conservative amino acid substitution, which is not likely to impact secondary protein structure as these residues share similar properties. In silico analysis is inconsistent in its predictions as to whether or not the variant is damaging to the protein structure/function. Therefore, based on the currently available information, it is unclear whether this variant is a pathogenic variant or a rare benign variant.